The following is an entry in ClinVar:

ClinVar aggregate classification (germline): Pathogenic. Review status: criteria provided, multiple submitters, no conflicts (2 of 4 stars). 3 submissions from 3 submitters: Pathogenic (3). Last evaluated 2022-04-26.

Conditions:
COL4A5-related disorders.
X-linked Alport syndrome (ATS1). Also called: COL4A5-Related Nephropathy; NEPHROPATHY AND DEAFNESS, X-LINKED. Identifiers: Orphanet 63, Orphanet 88917, MedGen C4746986, MONDO:0010520, OMIM 301050.

Submissions (3):

Fulgent Genetics
Classification: Pathogenic for X-linked Alport syndrome. Last evaluated: 2022-04-26. Review status: criteria provided, single submitter. Criteria: ACMG Guidelines, 2015. Collection method: clinical testing. Allele origin: unknown.

Labcorp Genetics (formerly Invitae), Labcorp
Classification: Pathogenic. Last evaluated: 2021-07-24. Review status: criteria provided, single submitter. Criteria: Invitae Variant Classification Sherloc (09022015). Collection method: clinical testing. Allele origin: germline.
Comment: For these reasons, this variant has been classified as Pathogenic. This variant disrupts the triple helix domain of COL4A5. Glycine residues within the Gly-Xaa-Yaa repeats of the triple helix domain are required for the structure and stability of fibrillar collagens (PMID: 7695699, 8218237, 19344236). In COL4A5, missense variants at these glycine residues are significantly enriched in individuals with disease (PMID: 23720012, 27627812) compared to the general population (ExAC). Advanced modeling of protein sequence and biophysical properties (such as structural, functional, and spatial information, amino acid conservation, physicochemical variation, residue mobility, and thermodynamic stability) performed at Invitae indicates that this missense variant is expected to disrupt COL4A5 protein function. This missense change has been observed in individual(s) with Alport syndrome (PMID: 11223851,20378821). ClinVar contains an entry for this variant (Variation ID: 24333). This sequence change replaces glycine with arginine at codon 292 of the COL4A5 protein (p.Gly292Arg). The glycine residue is highly conserved and there is a moderate physicochemical difference between glycine and arginine. This variant is not present in population databases (ExAC no frequency).

Blueprint Genetics
Classification: Pathogenic for COL4A5-related disorders. Last evaluated: 2019-12-23. Review status: criteria provided, single submitter. Criteria: ACMG Guidelines, 2015. Collection method: clinical testing. Allele origin: germline. Affected: yes. Observed: 2 variant alleles.

Literature cited by the submitters: PubMed 7695699 (cited by Labcorp Genetics (formerly Invitae), Labcorp); PubMed 8218237 (cited by Labcorp Genetics (formerly Invitae), Labcorp); PubMed 19344236 (cited by Labcorp Genetics (formerly Invitae), Labcorp); PubMed 23720012 (cited by Labcorp Genetics (formerly Invitae), Labcorp); PubMed 27627812 (cited by Labcorp Genetics (formerly Invitae), Labcorp); PubMed 11223851 (cited by Labcorp Genetics (formerly Invitae), Labcorp); PubMed 20378821 (cited by Labcorp Genetics (formerly Invitae), Labcorp).

NM_033380.3(COL4A5):c.874G>C (p.Gly292Arg)

Gene: COL4A5 (collagen type IV alpha 5 chain; plus strand). Cytogenetic location: Xq22.3.
Variant type: single nucleotide variant.
Coding change: c.874G>C on transcript NM_033380.3 (MANE Select); coding-DNA position 874, G replaced by C.
Protein change: p.Gly292Arg; replaces glycine 292 with arginine.
Molecular consequence: missense variant.
Genome position (GRCh38, 1-based): chrX:108,580,721, G>C. VCF-style: chrX-108580721-G-C. GRCh37 (hg19) VCF-style: chrX-107823951-G-C.
Other names: c.874G>C, p.Gly292Arg (NM_000495.5); short protein forms G292R.
Identifiers: ClinVar variation 1460453 (VCV001460453.8), dbSNP rs104886073, ClinGen allele CA258341.